The following is an entry in ClinVar:

NM_002439.5(MSH3):c.1654-12G>A

Gene: MSH3 (mutS homolog 3; plus strand). Cytogenetic location: 5q14.1.
Variant type: single nucleotide variant.
Coding change: c.1654-12G>A on transcript NM_002439.5 (MANE Select); 12 bases into the intron before coding-DNA position 1654, G replaced by A.
Molecular consequence: intron variant.
Genome position (GRCh38, 1-based): chr5:80,744,494, G>A. VCF-style: chr5-80744494-G-A. GRCh37 (hg19) VCF-style: chr5-80040313-G-A.
Identifiers: ClinVar variation 1401364 (VCV001401364.6), dbSNP rs1310432892, ClinGen allele CA560563436.
Genomic context (GRCh38, chr5:80,744,494, plus strand): 5'-GGGGTATATGAAATAACAATTTGGCACAAATAATTGTCTAGTTAATAAAACTTGTTTTCT[G>A]GTCTTTCTTAGACTGATATGAAAACCAAAGGAAGTTTGCTGTGGGTTTTAGACCACACTA-3'

ClinVar aggregate classification (germline): Conflicting classifications of pathogenicity. Review status: criteria provided, conflicting classifications (1 of 4 stars). 2 submissions from 2 submitters: Likely pathogenic (1); Uncertain significance (1). Last evaluated 2026-01-21.

Conditions:
Endometrial carcinoma. Also called: Endometrial carcinoma, somatic. Identifiers: MedGen C0476089, MONDO:0002447, OMIM 608089, HP:0012114.

Allele frequency attached by ClinVar (database versions not stated): gnomAD exomes below 0.00001.
gnomAD v4.1: 1 of 1,590,436 alleles (0.000063%); highest among the groups gnomAD compares: Non-Finnish European, 0.000086%; no homozygotes.

Submissions (2):

Labcorp Genetics (formerly Invitae), Labcorp
Classification: Uncertain significance. Last evaluated: 2026-01-21. Review status: criteria provided, single submitter. Criteria: Invitae Variant Classification Sherloc (09022015). Collection method: clinical testing. Allele origin: germline.
Comment: This sequence change falls in intron 11 of the MSH3 gene. It does not directly change the encoded amino acid sequence of the MSH3 protein. This variant is present in population databases (no rsID available, gnomAD 0.0009%). This variant has not been reported in the literature in individuals affected with MSH3-related conditions. ClinVar contains an entry for this variant (Variation ID: 1401364). Algorithms developed to predict the effect of sequence changes on RNA splicing suggest that this variant may disrupt the consensus splice site. In summary, the available evidence is currently insufficient to determine the role of this variant in disease. Therefore, it has been classified as a Variant of Uncertain Significance.

Baylor Genetics
Classification: Likely pathogenic for Endometrial carcinoma. Last evaluated: 2023-08-29. Review status: criteria provided, single submitter. Criteria: ACMG Guidelines, 2015. Collection method: clinical testing. Allele origin: unknown.